The following is an entry in ClinVar:

NM_000051.4(ATM):c.2858del (p.Glu953fs)

Gene: ATM (ATM serine/threonine kinase; plus strand). Cytogenetic location: 11q22.3.
Variant type: Deletion.
Coding change: c.2858del on transcript NM_000051.4 (MANE Select); coding-DNA position 2858, one base deleted (A; older notation c.2858delA).
Protein change: p.Glu953fs; shifts the reading frame from glutamic acid 953.
Molecular consequence: frameshift variant.
Genome position (GRCh38, 1-based): chr11:108,271,083, A deleted. VCF-style (leftmost placement, unchanged base first): chr11-108271082-GA-G. GRCh37 (hg19) VCF-style: chr11-108141809-GA-G.
Other names: c.2858del, p.Glu953fs (NM_001351834.2); short protein forms E953fs.
Identifiers: ClinVar variation 4617375 (VCV004617375.1).

ClinVar aggregate classification (germline): Pathogenic (1 of 4 stars; one submission).

Conditions:
Hereditary cancer-predisposing syndrome. Also called: Neoplastic Syndromes, Hereditary; Tumor predisposition; Hereditary Cancer Syndrome; Hereditary neoplastic syndrome. Identifiers: Orphanet 140162, MedGen C0027672, MeSH D009386, MONDO:0015356.

Submission:

Ambry Genetics
Classification: Pathogenic for Hereditary cancer-predisposing syndrome. Last evaluated: 2025-10-14. Review status: criteria provided, single submitter. Criteria: Ambry Variant Classification Scheme 2023. Collection method: clinical testing. Allele origin: germline.
Comment: The c.2858delA pathogenic mutation, located in coding exon 18 of the ATM gene, results from a deletion of one nucleotide at nucleotide position 2858, causing a translational frameshift with a predicted alternate stop codon (p.E953Gfs*18). This variant is considered to be rare based on population cohorts in the Genome Aggregation Database (gnomAD). This alteration is expected to result in loss of function by premature protein truncation or nonsense-mediated mRNA decay. As such, this alteration is interpreted as a disease-causing mutation.